The following is an entry in ClinVar:

ClinVar aggregate classification (germline): Uncertain significance. Review status: criteria provided, multiple submitters, no conflicts (2 of 4 stars). 3 submissions from 3 submitters: Uncertain significance (3). Last evaluated 2025-09-16.

Conditions:
Autosomal dominant limb-girdle muscular dystrophy type 1D (DNAJB6) (LGMDD1). Also called: MUSCULAR DYSTROPHY, LIMB-GIRDLE, TYPE 1D; MUSCULAR DYSTROPHY, AUTOSOMAL DOMINANT, WITH RIMMED VACUOLES; Autosomal dominant limb-girdle muscular dystrophy type 1D; Muscular dystrophy, limb-girdle, autosomal dominant 1. Identifiers: Orphanet 34516, MedGen C4721885, MONDO:0021018, OMIM 603511.

Allele frequency attached by ClinVar (database versions not stated): gnomAD 0.00010; ExAC 0.00011; TOPMed 0.00012; ESP Exome Variant Server 0.00015.
gnomAD v4.1: 215 of 1,483,304 alleles (0.014%); highest among the groups gnomAD compares: Non-Finnish European, 0.019%; no homozygotes.

Submissions (5):

Labcorp Genetics (formerly Invitae), Labcorp
Classification: Uncertain significance for Autosomal dominant limb-girdle muscular dystrophy type 1D (DNAJB6). Last evaluated: 2025-09-16. Review status: criteria provided, single submitter. Criteria: Invitae Variant Classification Sherloc (09022015). Collection method: clinical testing. Allele origin: germline.
Comment: This sequence change replaces threonine, which is neutral and polar, with isoleucine, which is neutral and non-polar, at codon 159 of the DNAJB6 protein (p.Thr159Ile). This variant is present in population databases (rs199651553, gnomAD 0.02%). This variant has not been reported in the literature in individuals affected with DNAJB6-related conditions. ClinVar contains an entry for this variant (Variation ID: 359453). An algorithm developed to predict the effect of missense changes on protein structure and function (PolyPhen-2) suggests that this variant is likely to be disruptive. In summary, the available evidence is currently insufficient to determine the role of this variant in disease. Therefore, it has been classified as a Variant of Uncertain Significance.

GeneDx
Classification: Uncertain significance. Last evaluated: 2022-04-11. Review status: criteria provided, single submitter. Criteria: GeneDx Variant Classification Process June 2021. Collection method: clinical testing. Allele origin: germline. Affected: yes.
Comment: Missense variants in this gene are often considered pathogenic (HGMD); In silico analysis supports that this missense variant has a deleterious effect on protein structure/function; Has not been previously published as pathogenic or benign to our knowledge

Eurofins Ntd Llc (ga)
Classification: Uncertain significance. Last evaluated: 2017-03-17. Review status: criteria provided, single submitter. Criteria: EGL Classification Definitions 2015. Collection method: clinical testing. Allele origin: germline. Observed: 1 variant allele, 1 heterozygote.

Dr. Peter K. Rogan Lab, Western University
No classification provided (evidence only). Condition: Melanoma. Review status: no classification provided. Collection method: in vitro. Allele origin: not applicable. Functional consequence: skipped exon, retained intron. Not counted in ClinVar's aggregate classification.

Dr. Peter K. Rogan Lab, Western University
No classification provided (evidence only). Condition: Colorectal cancer. Review status: no classification provided. Collection method: in vitro. Allele origin: not applicable. Functional consequence: skipped exon, retained intron. Not counted in ClinVar's aggregate classification.

NM_058246.4(DNAJB6):c.476C>T (p.Thr159Ile)

Gene: DNAJB6 (DnaJ heat shock protein family (Hsp40) member B6; plus strand). Cytogenetic location: 7q36.3.
Variant type: single nucleotide variant.
Coding change: c.476C>T on transcript NM_058246.4 (MANE Select); coding-DNA position 476, C replaced by T.
Protein change: p.Thr159Ile; replaces threonine 159 with isoleucine.
Molecular consequence: missense variant. On other transcripts: intron variant (1).
Genome position (GRCh38, 1-based): chr7:157,382,375, C>T. VCF-style: chr7-157382375-C-T. GRCh37 (hg19) VCF-style: chr7-157175069-C-T.
Other names: c.476C>T, p.Thr159Ile (NM_005494.3); c.346+14892C>T (NM_001363676.1); short protein forms T159I.
Identifiers: ClinVar variation 359453 (VCV000359453.18), dbSNP rs199651553, ClinGen allele CA4590522.